The following is an entry in ClinVar:

NM_000245.4(MET):c.1048A>T (p.Lys350Ter)

Gene: MET (MET proto-oncogene, receptor tyrosine kinase; plus strand). Cytogenetic location: 7q31.2.
Variant type: single nucleotide variant.
Coding change: c.1048A>T on transcript NM_000245.4 (MANE Select); coding-DNA position 1048, A replaced by T.
Protein change: p.Lys350Ter; replaces lysine 350 with a stop codon.
Molecular consequence: nonsense. On other transcripts: intron variant (1).
Genome position (GRCh38, 1-based): chr7:116,700,132, A>T. VCF-style: chr7-116700132-A-T. GRCh37 (hg19) VCF-style: chr7-116340186-A-T.
Other names: c.1048A>T, p.Lys350Ter (NM_001127500.3, NM_001324401.3); c.-91+27555A>T (NM_001324402.2); short protein forms K350*.
Identifiers: ClinVar variation 1775987 (VCV001775987.2), dbSNP rs201191014, ClinGen allele CA368970426.

ClinVar aggregate classification (germline): Uncertain significance (1 of 4 stars; one submission).

Conditions:
Hereditary cancer-predisposing syndrome. Also called: Neoplastic Syndromes, Hereditary; Tumor predisposition; Hereditary Cancer Syndrome; Hereditary neoplastic syndrome. Identifiers: Orphanet 140162, MedGen C0027672, MeSH D009386, MONDO:0015356.

Submission:

Ambry Genetics
Classification: Uncertain significance for Hereditary cancer-predisposing syndrome. Last evaluated: 2021-06-07. Review status: criteria provided, single submitter. Criteria: Ambry Variant Classification Scheme 2023. Collection method: clinical testing. Allele origin: germline.
Comment: The p.K350* variant (also known as c.1048A>T), located in coding exon 1 of the MET gene, results from an A to T substitution at nucleotide position 1048. This changes the amino acid from a lysine to a stop codon within coding exon 1. This alteration is expected to result in premature protein truncation or nonsense-mediated mRNA decay. However, loss of function of MET has not been clearly established as a mechanism of disease. Since supporting evidence is limited at this time, the clinical significance of this alteration remains unclear.